The following is an entry in ClinVar:

NM_001379500.1(COL18A1):c.1106C>T (p.Pro369Leu)

Gene: COL18A1 (collagen type XVIII alpha 1 chain; plus strand). Cytogenetic location: 21q22.3.
Variant type: single nucleotide variant.
Coding change: c.1106C>T on transcript NM_001379500.1 (MANE Select); coding-DNA position 1106, C replaced by T.
Protein change: p.Pro369Leu; replaces proline 369 with leucine.
Molecular consequence: missense variant.
Genome position (GRCh38, 1-based): chr21:45,477,850, C>T. VCF-style: chr21-45477850-C-T. GRCh37 (hg19) VCF-style: chr21-46897764-C-T.
Other names: NM_130445.2:c.1106C>T; c.1646C>T, p.Pro549Leu (NM_030582.4); c.2351C>T, p.Pro784Leu (NM_130444.3); c.1646C>T (NM_030582.3); short protein forms P549L, P369L, P784L.
Identifiers: ClinVar variation 1366991 (VCV001366991.8), dbSNP rs371330320, ClinGen allele CA10066077.

ClinVar aggregate classification (germline): Uncertain significance. Review status: criteria provided, multiple submitters, no conflicts (2 of 4 stars). 4 submissions from 4 submitters: Uncertain significance (4). Last evaluated 2025-05-13.

Conditions:
COL18A1-related disorder. Also called: COL18A1-related disorders; COL18A1-related condition.
Inborn genetic diseases. Identifiers: MedGen C0950123, MeSH D030342.

Allele frequency attached by ClinVar (database versions not stated): gnomAD exomes 0.00002; gnomAD 0.00005 and 0.00006; TOPMed 0.00007; ESP Exome Variant Server 0.00009; ExAC 0.00011.
gnomAD v4.1: 31 of 1,553,714 alleles (0.002%); highest among the groups gnomAD compares: African/African-American, 0.019%; no homozygotes.

Submissions (4):

Ambry Genetics
Classification: Uncertain significance for Inborn genetic diseases. Last evaluated: 2025-05-13. Review status: criteria provided, single submitter. Criteria: Ambry Variant Classification Scheme 2023. Collection method: clinical testing. Allele origin: germline.

PreventionGenetics, part of Exact Sciences
Classification: Uncertain significance for COL18A1-related condition. Last evaluated: 2025-02-26. Review status: criteria provided, single submitter. Criteria: ACMG Guidelines, 2015. Collection method: clinical testing. Allele origin: germline.
Comment: The COL18A1 c.1646C>T variant is predicted to result in the amino acid substitution p.Pro549Leu. To our knowledge, this variant has not been reported in the literature. This variant is present in 0.024% of alleles in individuals of African descent in gnomAD. At this time, the clinical significance of this variant is uncertain due to the absence of conclusive functional and genetic evidence.

Labcorp Genetics (formerly Invitae), Labcorp
Classification: Uncertain significance. Last evaluated: 2023-10-13. Review status: criteria provided, single submitter. Criteria: Invitae Variant Classification Sherloc (09022015). Collection method: clinical testing. Allele origin: germline.
Comment: This sequence change replaces proline, which is neutral and non-polar, with leucine, which is neutral and non-polar, at codon 369 of the COL18A1 protein (p.Pro369Leu). This variant is present in population databases (rs371330320, gnomAD 0.02%). This variant has not been reported in the literature in individuals affected with COL18A1-related conditions. ClinVar contains an entry for this variant (Variation ID: 1366991). Experimental studies and prediction algorithms are not available or were not evaluated, and the functional significance of this variant is currently unknown. In summary, the available evidence is currently insufficient to determine the role of this variant in disease. Therefore, it has been classified as a Variant of Uncertain Significance.

Blueprint Genetics
Classification: Uncertain significance. Last evaluated: 2022-09-30. Review status: criteria provided, single submitter. Criteria: ACMG Guidelines, 2015. Collection method: clinical testing. Allele origin: germline.